The following is an entry in ClinVar:

NM_006017.3(PROM1):c.1849A>C (p.Asn617His)

Gene: PROM1 (prominin 1; minus strand). Cytogenetic location: 4p15.32.
Variant type: single nucleotide variant.
Coding change: c.1849A>C on transcript NM_006017.3 (MANE Select); coding-DNA position 1849, A replaced by C.
Protein change: p.Asn617His; replaces asparagine 617 with histidine.
Molecular consequence: missense variant.
Genome position (GRCh38, 1-based): chr4:15,992,310, T>G on the plus strand (A>C on the coding strand, the complement: PROM1 is on the minus strand). VCF-style: chr4-15992310-T-G. GRCh37 (hg19) VCF-style: chr4-15993933-T-G.
Other names: c.1822A>C, p.Asn608His (NM_001145847.2, NM_001145848.2, NM_001145851.2 and 4 more transcripts); c.1849A>C, p.Asn617His (NM_001145849.2, NM_001145850.2); c.1849A>C (NM_006017.2); short protein forms N608H, N617H.
Identifiers: ClinVar variation 1058299 (VCV001058299.11), dbSNP rs373833725, ClinGen allele CA2866619.

ClinVar aggregate classification (germline): Uncertain significance. Review status: criteria provided, multiple submitters, no conflicts (2 of 4 stars). 2 submissions from 2 submitters: Uncertain significance (2). Last evaluated 2026-05-10.

Conditions:
Inborn genetic diseases. Identifiers: MedGen C0950123, MeSH D030342.

Allele frequency attached by ClinVar (database versions not stated): TOPMed below 0.00001; ExAC 0.00001; gnomAD exomes below 0.00001 and 0.00001; ESP Exome Variant Server 0.00008.
gnomAD v4.1: 7 of 1,613,942 alleles (0.00043%); highest among the groups gnomAD compares: Non-Finnish European, 0.00059%; no homozygotes.

Submissions (2):

Ambry Genetics
Classification: Uncertain significance for Inborn genetic diseases. Last evaluated: 2026-05-10. Review status: criteria provided, single submitter. Criteria: Ambry Variant Classification Scheme 2023. Collection method: clinical testing. Allele origin: germline.

Labcorp Genetics (formerly Invitae), Labcorp
Classification: Uncertain significance. Last evaluated: 2022-04-09. Review status: criteria provided, single submitter. Criteria: Invitae Variant Classification Sherloc (09022015). Collection method: clinical testing. Allele origin: germline.
Comment: In summary, the available evidence is currently insufficient to determine the role of this variant in disease. Therefore, it has been classified as a Variant of Uncertain Significance. Algorithms developed to predict the effect of missense changes on protein structure and function are either unavailable or do not agree on the potential impact of this missense change (SIFT: "Tolerated"; PolyPhen-2: "Possibly Damaging"; Align-GVGD: "Class C0"). ClinVar contains an entry for this variant (Variation ID: 1058299). This variant has not been reported in the literature in individuals affected with PROM1-related conditions. This variant is present in population databases (rs373833725, gnomAD 0.0009%). This sequence change replaces asparagine, which is neutral and polar, with histidine, which is basic and polar, at codon 617 of the PROM1 protein (p.Asn617His).